The following is an entry in ClinVar:

NM_000558.5(HBA1):c.358C>T (p.Pro120Ser)

Genes: HBA1 (hemoglobin subunit alpha 1; plus strand), LOC106804613 (hemoglobin subunit alpha 1 recombination region; plus strand). Cytogenetic location: 16p13.3.
Variant type: single nucleotide variant.
Coding change: c.358C>T on transcript NM_000558.5 (MANE Select); coding-DNA position 358, C replaced by T.
Protein change: p.Pro120Ser; replaces proline 120 with serine.
Molecular consequence: missense variant.
Genome position (GRCh38, 1-based): chr16:177,340, C>T. VCF-style: chr16-177340-C-T. GRCh37 (hg19) VCF-style: chr16-227339-C-T.
Other names: short protein forms P120S.
Identifiers: ClinVar variation 811900 (VCV000811900.24), dbSNP rs63750751, ClinGen allele CA7770283.

ClinVar aggregate classification (germline): Pathogenic. Review status: criteria provided, multiple submitters, no conflicts (2 of 4 stars). 11 submissions from 11 submitters: Pathogenic (9). 2 of the submissions do not count toward it. Last evaluated 2026-10-03.

Conditions:
Heinz body anemia. Also called: Heinz body hemolytic anemia. Identifiers: Orphanet 178330, MedGen C0700299, MONDO:0007705, OMIM 140700, HP:0005511.
Hemoglobin H disease (HBH). Also called: Hemoglobin H (HbH) Disease; ALPHA-THALASSEMIA, HEMOGLOBIN H TYPE; HEMOGLOBIN H DISEASE, DELETIONAL. Identifiers: Orphanet 93616, MedGen C3161174, MONDO:0013512, OMIM 613978. Disease mechanism: loss of function.
Methemoglobinemia, alpha type. Identifiers: MedGen C4693798, MONDO:0020835, OMIM 617973.
alpha Thalassemia. Also called: Alpha thalassemia spectrum. Identifiers: Orphanet 846, MedGen C0002312, MONDO:0011399, OMIM 604131.
Erythrocytosis, familial, 7. Also called: ERYTHROCYTOSIS 7; ERYTHROCYTOSIS, ALPHA-GLOBIN TYPE; POLYCYTHEMIA, ALPHA-GLOBIN TYPE. Identifiers: MedGen C4693823, MONDO:0054802, OMIM 617981.
HBA1-related disorders.
HBA1-related disorder. Also called: HBA1-related condition.

Allele frequency attached by ClinVar (database versions not stated): gnomAD 0.00003 and 0.00004; gnomAD exomes 0.00003 and 0.00006; TOPMed 0.00005; ExAC 0.00004.
gnomAD v4.1: 50 of 1,613,180 alleles (0.0031%); highest among the groups gnomAD compares: Middle Eastern, 0.13%; 2 homozygotes.

Submissions (11):

GeneDx
Classification: Pathogenic. Last evaluated: 2026-10-03. Review status: criteria provided, single submitter. Criteria: GeneDx Variant Classification Process June 2021. Collection method: clinical testing. Allele origin: germline.
Comment: Observed in the heterozygous state in alpha thalassemia carriers or patients with mild phenotypes (PMID: 18603555, 32751969, 38523675, 16370486); Published functional studies demonstrate a damaging effect on the interaction with alpha hemoglobin stabilizing protein and the beta subunit (PMID: 19349619, 21950764); In silico analysis supports that this missense variant has a deleterious effect on protein structure/function; Also reported as Hb Groene Hart [119(H2)Pro>Ser (1); HBA1: c.358C>T]; This variant is associated with the following publications: (PMID: 21950764, 12403490, 25130136, 18603555, 23806011, 17486500, 32751969, 31553106, 26485748, 38523675, 16370486, 17052927, 18420733, 24111644, 19349619)

Natera, Inc.
Classification: Pathogenic for Alpha thalassemia. Last evaluated: 2026-01-08. Review status: criteria provided, single submitter. Criteria: Natera Variant Classification Schema (03/2026). Collection method: clinical testing. Allele origin: germline.
Comment: The c.358C>T variant in HBA1 is a missense variant predicted to cause substitution of proline to serine at amino acid 120. This variant is rare in the general population with a frequency below the threshold expected for the associated phenotype(s). This variant has been observed in one or more individuals affected with the associated recessive disease, as either homozygous or compound heterozygous with a second variant (PMID: 16370486, 17486500, 18420733, 24111644). Computational prediction algorithms indicate this variant is likely to affect gene or protein function. Given the available evidence, this variant is classified as Pathogenic.

Genomic Medicine Center of Excellence, King Faisal Specialist Hospital and Research Centre
Classification: Pathogenic for Erythrocytosis, familial, 7. Last evaluated: 2025-09-10. Review status: criteria provided, single submitter. Criteria: ACMG Guidelines, 2015. Collection method: clinical testing. Allele origin: germline.

Genetic Services Laboratory, University of Chicago
Classification: Pathogenic. Last evaluated: 2025-08-29. Review status: criteria provided, single submitter. Criteria: ACMG Guidelines, 2015. Collection method: clinical testing. Allele origin: germline.
Comment: The c.358C>T variant: Results in an amino acid change, p.Pro120Ser. Affects a moderately conserved amino acid residue located in a domain of the HBA1 protein that is known to be functional. Appears to have contradictory results by in-silico pathogenicity prediction tools. Has been previously described in individuals with HBA1-related disorders in the homozygous state and in the compound heterozygous state other well described pathogenic sequence variants or whole gene deletions (PMID: 12403490, 24111644; 174865000) Has been demonstrated by functional assays to result in destabilization and increased proteolytic degradation of the HBA1 protein product (PMID: 19349619). Is reported in the gnomAD v4 database with a frequency of 0.13% in the Middle Eastern subpopulation (dbSNP rs63750751). ClinVar contains an entry for this variant (Variation ID: 811900). Collectively, this evidence indicates that this variant is likely pathogenic, however functional studies have not been performed to prove this conclusively.

ARUP Laboratories, Molecular Genetics and Genomics, ARUP Laboratories
Classification: Pathogenic. Last evaluated: 2024-08-28. Review status: criteria provided, single submitter. Criteria: ARUP Molecular Germline Variant Investigation Process 2024. Collection method: clinical testing. Allele origin: germline.
Comment: The HBA1 c.358C>T; p.Pro120Ser variant (Hb Groene Hart, also known as Pro119Ser when numbered from the mature protein, rs63750751, HbVar ID: 1123) has been described in the compound heterozygous or homozygous state in individuals affected with alpha thalassemia, and in the heterozygous state in individuals with microcytosis and hypochromia (see link to HbVar, Giordano 2007, Harteveld 2002, Joly 2014, Yu 2009, Zanella-Cleon 2008). This variant is found in the general population with an overall allele frequency of 0.0057% (16/278694 alleles) in the Genome Aggregation Database. Functional studies of the variant protein demonstrate impaired binding to alpha hemoglobin stabilizing protein and beta globin, leading to destabilization and increased proteolytic degradation (Yu 2009). Based on available information, this variant is considered pathogenic. REFERENCES Link to HbVar: Giordano P et al. The first case of Hb Groene Hart (alpha119(H2)Pro-->Ser, CCT-->TCT (alpha1)) homozygosity confirms that a thalassemia phenotype is associated with this abnormal hemoglobin variant. Hemoglobin. 2007;31(2):179-82. PMID: 17486500. Harteveld C et al. Hb Groene Hart: a new Pro-->Ser amino acid substitution at position 119 of the alpha1-globin chain is associated with a mild alpha-thalassemia phenotype. Hemoglobin. 2002 Aug;26(3):255-60. PMID: 12403490. Joly P et al. Description of the phenotypes of 63 heterozygous, homozygous and compound heterozygous patients carrying the Hb Groene Hart (alpha119(H2)Pro->Ser; HBA1: c.358C>T) variant. Hemoglobin. 2014;38(1):64-6. PMID: 24111644. Yu X et al. Analysis of human alpha globin gene mutations that impair binding to the alpha hemoglobin stabilizing protein. Blood. 2009 Jun 4;113(23):5961-9. PMID: 19349619. Zanella-Cleon I et al. Detection of a thalassemic alpha-chain variant (Hemoglobin Groene Hart) by reversed-phase liquid chromatography. Clin Chem. 2008 Jun;54(6):1053-9. PMID: 18420733.

Blueprint Genetics
Classification: Pathogenic for HBA1-related disorders. Last evaluated: 2024-07-23. Review status: criteria provided, single submitter. Criteria: ACMG Guidelines, 2015. Collection method: clinical testing. Allele origin: germline. Affected: yes. Observed: 5 variant alleles.

Quest Diagnostics Nichols Institute San Juan Capistrano
Classification: Pathogenic. Last evaluated: 2024-02-13. Review status: criteria provided, single submitter. Criteria: Quest Diagnostics criteria. Collection method: clinical testing. Allele origin: unknown.
Comment: The HBA1 c.358C>T (p.Pro120Ser) variant has been reported in the heterozygous and compound heterozygous state in individuals with mild alpha-thalassemia phenotype (PMIDs: 26485748 (2016), 24111644 (2014), 16370486 (2005), 12403490 (2002)). Individuals who are homozygous for this variant present with microcytic hypochromic anemia (PMIDs: 24111644 (2014), 17486500 (2007)). Experimental studies indicate this variant disrupts binding of the alpha globin chains to the AHSP (alpha hemoglobin stabilizing protein) and results in an unstable hemoglobin complex (PMIDs: 21950764 (2011), 19349619 (2009), 17052927(2006)). Based on the available information, this variant is classified as pathogenic.

Women's Health and Genetics/Laboratory Corporation of America, LabCorp
Classification: Pathogenic for alpha Thalassemia. Last evaluated: 2022-06-22. Review status: criteria provided, single submitter. Criteria: LabCorp Variant Classification Summary - May 2015. Collection method: clinical testing. Allele origin: germline.
Comment: Variant summary: HBA1 c.358C>T (p.Pro120Ser) results in a non-conservative amino acid change located in the Globin domain (IPR000971) of the encoded protein sequence. Five of five in-silico tools predict a damaging effect of the variant on protein function. The variant allele was found at a frequency of 5.7e-05 in 247332 control chromosomes (gnomAD). This frequency is not significantly higher than expected for a pathogenic variant in HBA1 causing Alpha Thalassemia (5.7e-05 vs 0.0056), allowing no conclusion about variant significance. c.358C>T has been reported in the literature in multiple compound heterozygous and homozygous individuals affected with Alpha Thalassemia (e.g. Giordano_2007, Zanella-Cleon_2008, Joly_2014). These data indicate that the variant is very likely to be associated with disease. In vitro binding assays indicate that while the variant protein is capable of forming dimers, it does not interact with alpha hemoglobin stabilizing proteins or beta subunits, leading to destabilization and increased proteolytic degredation (Yu_2009). Four ClinVar submitters have assessed the variant since 2014: two classified the variant as likely pathogenic, and two as pathogenic. Based on the evidence outlined above, the variant was classified as pathogenic.

Fulgent Genetics
Classification: Pathogenic for Heinz body anemia; alpha Thalassemia; Hemoglobin H disease; Methemoglobinemia, alpha type; Erythrocytosis, familial, 7. Last evaluated: 2022-01-20. Review status: criteria provided, single submitter. Criteria: ACMG Guidelines, 2015. Collection method: clinical testing. Allele origin: unknown.

PreventionGenetics, part of Exact Sciences
Classification: Pathogenic for HBA1-related condition. Last evaluated: 2024-09-25. Review status: no assertion criteria provided. Collection method: clinical testing. Allele origin: germline. Not counted in ClinVar's aggregate classification.
Comment: The HBA1 c.358C>T variant is predicted to result in the amino acid substitution p.Pro120Ser. This variant is also referred to as p.Pro119Ser or Hb Groene Hart. This variant has been reported in the heterozygous state in a father and son with microcytic hypochromic anemia (Harteveld et al. 2002. PubMed ID: 12403490) and in the homozygous state and in the heterozygous state along with an -α3.7 deletion in patients with alpha thalassemia (Joly et al. 2013. PubMed ID: 24111644; Giordano et al. 2007. PubMed ID: 174865000). This variant is reported in 0.020% of alleles in individuals of Latino descent in gnomAD. This variant is interpreted as pathogenic.

Zotz-Klimas Genetics Lab, MVZ Zotz Klimas
Classification: Pathogenic for alpha Thalassemia. Last evaluated: 2023-10-09. Review status: no assertion criteria provided. Collection method: clinical testing. Allele origin: germline. Affected: yes. Not counted in ClinVar's aggregate classification.

Literature cited by the submitters: PubMed 16370486 (cited by Natera, Inc. and Quest Diagnostics Nichols Institute San Juan Capistrano); PubMed 17486500 (cited by 3 submitters); PubMed 18420733 (cited by Natera, Inc. and Women's Health and Genetics/Laboratory Corporation of America, LabCorp); PubMed 24111644 (cited by 3 submitters); PubMed 26485748 (cited by Quest Diagnostics Nichols Institute San Juan Capistrano); PubMed 12403490 (cited by Quest Diagnostics Nichols Institute San Juan Capistrano); PubMed 21950764 (cited by Quest Diagnostics Nichols Institute San Juan Capistrano); PubMed 19349619 (cited by Quest Diagnostics Nichols Institute San Juan Capistrano and Women's Health and Genetics/Laboratory Corporation of America, LabCorp); PubMed 17052927 (cited by Quest Diagnostics Nichols Institute San Juan Capistrano).